The following is an entry in ClinVar:

ClinVar aggregate classification (germline): Conflicting classifications of pathogenicity. Review status: criteria provided, conflicting classifications (1 of 4 stars). 2 submissions from 2 submitters: Uncertain significance (1); Likely benign (1). Last evaluated 2025-10-13.

Conditions:
SNRNP200-related disorder. Also called: SNRNP200-related condition.

Allele frequency attached by ClinVar (database versions not stated): gnomAD 0.00001; ExAC 0.00002; TOPMed 0.00002; ESP Exome Variant Server 0.00008.

Submissions (2):

Labcorp Genetics (formerly Invitae), Labcorp
Classification: Likely benign. Last evaluated: 2025-10-13. Review status: criteria provided, single submitter. Criteria: Invitae Variant Classification Sherloc (09022015). Collection method: clinical testing. Allele origin: germline.

PreventionGenetics, part of Exact Sciences
Classification: Uncertain significance for SNRNP200-related condition. Last evaluated: 2024-12-17. Review status: criteria provided, single submitter. Criteria: ACMG Guidelines, 2015. Collection method: clinical testing. Allele origin: germline.
Comment: The SNRNP200 c.461G>A variant is predicted to result in the amino acid substitution p.Arg154Gln. To our knowledge, this variant has not been reported in the literature. This variant is reported in 0.0046% of alleles in individuals of European (Finnish) descent in gnomAD. At this time, the clinical significance of this variant is uncertain due to the absence of conclusive functional and genetic evidence.

NM_014014.5(SNRNP200):c.461G>A (p.Arg154Gln)

Gene: SNRNP200 (small nuclear ribonucleoprotein U5 subunit 200; minus strand). Cytogenetic location: 2q11.2.
Variant type: single nucleotide variant.
Coding change: c.461G>A on transcript NM_014014.5 (MANE Select); coding-DNA position 461, G replaced by A.
Protein change: p.Arg154Gln; replaces arginine 154 with glutamine.
Molecular consequence: missense variant.
Genome position (GRCh38, 1-based): chr2:96,301,637, C>T on the plus strand (G>A on the coding strand, the complement: SNRNP200 is on the minus strand). VCF-style: chr2-96301637-C-T. GRCh37 (hg19) VCF-style: chr2-96967375-C-T.
Other names: c.461G>A (NM_014014.4); short protein forms R154Q.
Identifiers: ClinVar variation 1914200 (VCV001914200.6), dbSNP rs148449171, ClinGen allele CA1779182.